The following is an entry in ClinVar:

Conditions:
Breast-ovarian cancer, familial, susceptibility to, 1 (BROVCA1). Also called: BRCA1 Hereditary Breast and Ovarian Cancer; OVARIAN CANCER, SUSCEPTIBILITY TO. Identifiers: Orphanet 145, MedGen C2676676, MONDO:0011450, OMIM 604370. Disease mechanism: loss of function.

Submission:

Brotman Baty Institute, University of Washington
No classification provided (evidence only). Condition: Breast-ovarian cancer, familial 1. Review status: no classification provided. Collection method: in vitro. Allele origin: not applicable. Functional consequence: functionally_normal.
ClinVar note: "not provided" was previously submitted as the classification for the variant. However, the classification appeared to be based only on an observation of functional data so it was converted to no classification on 2025-07-30.

NM_007294.4(BRCA1):c.134+23G>T

Gene: BRCA1 (BRCA1 DNA repair associated; minus strand). Cytogenetic location: 17q21.31.
Variant type: single nucleotide variant.
Coding change: c.134+23G>T on transcript NM_007294.4 (MANE Select); 23 bases into the intron after coding-DNA position 134, G replaced by T.
Molecular consequence: intron variant.
Genome position (GRCh38, 1-based): chr17:43,115,703, C>A on the plus strand (G>T on the coding strand, the complement: BRCA1 is on the minus strand). VCF-style: chr17-43115703-C-A. GRCh37 (hg19) VCF-style: chr17-41267720-C-A.
Other names: c.-8+23G>T (NM_001408458.1, NM_001408470.1, NM_001407848.1 and 47 more transcripts); c.-219+9574G>T (NM_001407967.1); c.-170+9574G>T (NM_001407959.1); c.-7-9170G>T (NM_001407931.1, NM_001407747.1, NM_001408511.1 and 2 more transcripts); c.-170+23G>T (NM_001407962.1, NM_001408512.1, NM_001408510.1 and 1 more transcripts); c.-55+23G>T (NM_001407885.1, NM_001407886.1, NM_001408509.1 and 52 more transcripts); c.-124+23G>T (NM_001407746.1, NM_001408468.1, NM_001407842.1 and 13 more transcripts); c.-8+8314G>T (NM_001408461.1, NM_001407738.1, NM_001407932.1 and 23 more transcripts); and 10 more.
Identifiers: ClinVar variation 867248 (VCV000867248.3), dbSNP rs781568696, ClinGen allele CA916080937.
Genomic context (GRCh38, chr17:43,115,703, plus strand): 5'-TTCTATAAAGTTAGGTGTTTCCTGGGTTATGAAGGACAAAAACAAAAGCTAATAATGGAG[C>A]CACATAACACATTCAAACTTACTTGCAAAATATGTGGTCACACTTTGTGGAGACAGGTTC-3'